The following is an entry in ClinVar:

NC_000004.11:g.(?_107170058)_(107183389_?)del

Gene: TBCK (TBC1 domain containing kinase; minus strand). Cytogenetic location: 4q24.
Variant type: Deletion.
Identifiers: ClinVar variation 1455366 (VCV001455366.7).

ClinVar aggregate classification (germline): Pathogenic (1 of 4 stars; one submission).

Submission:

Labcorp Genetics (formerly Invitae), Labcorp
Classification: Pathogenic. Last evaluated: 2023-04-29. Review status: criteria provided, single submitter. Criteria: Invitae Variant Classification Sherloc (09022015). Collection method: clinical testing. Allele origin: germline.
Comment: For these reasons, this variant has been classified as Pathogenic. This variant has not been reported in the literature in individuals affected with TBCK-related conditions. This variant is a gross deletion of the genomic region encompassing exon(s) 4-8 of the TBCK gene. This deletion is out-of-frame, and is expected to create a premature termination codon and result in an absent or disrupted protein product. Loss-of-function variants in TBCK are known to be pathogenic (PMID: 27040692, 30103036).

Literature cited by the submitters: PubMed 27040692; PubMed 30103036.